The following is an entry in ClinVar:

NM_000219.6(KCNE1):c.100T>G (p.Ser34Ala)

Gene: KCNE1 (potassium voltage-gated channel subfamily E regulatory subunit 1; minus strand). Cytogenetic location: 21q22.12.
Variant type: single nucleotide variant.
Coding change: c.100T>G on transcript NM_000219.6 (MANE Select); coding-DNA position 100, T replaced by G.
Protein change: p.Ser34Ala; replaces serine 34 with alanine.
Molecular consequence: missense variant.
Genome position (GRCh38, 1-based): chr21:34,449,535, A>C on the plus strand (T>G on the coding strand, the complement: KCNE1 is on the minus strand). VCF-style: chr21-34449535-A-C. GRCh37 (hg19) VCF-style: chr21-35821833-A-C.
Other names: c.100T>G, p.Ser34Ala (NM_001127668.4, NM_001127669.4, NM_001127670.4 and 4 more transcripts); short protein forms S34A.
Identifiers: ClinVar variation 3374049 (VCV003374049.2).

Conditions:
Long QT syndrome 5 (LQT5). Identifiers: Orphanet 101016, Orphanet 768, MedGen C1867904, MONDO:0013372, OMIM 613695.

Submission:

Roden Lab, Vanderbilt University Medical Center
No classification provided (evidence only). Condition: Long QT syndrome 5. Review status: no classification provided. Collection method: in vitro. Allele origin: not applicable. Functional consequence: Effect on ion channel function.
ClinVar note: "not provided" was previously submitted as the classification for the variant. However, the classification appeared to be based only on an observation of functional data so it was converted to no classification on 2025-07-30.